The following is an entry in ClinVar:

ClinVar aggregate classification (germline): Conflicting classifications of pathogenicity. Review status: criteria provided, conflicting classifications (1 of 4 stars). 2 submissions from 2 submitters: Uncertain significance (1); Likely benign (1). Last evaluated 2024-12-13.

Allele frequency attached by ClinVar (database versions not stated): gnomAD exomes below 0.00001.
gnomAD v4.1: 2 of 1,614,106 alleles (0.00012%); highest among the groups gnomAD compares: South Asian, 0.0011%; no homozygotes.

Submissions (2):

GeneDx
Classification: Uncertain significance. Last evaluated: 2024-12-13. Review status: criteria provided, single submitter. Criteria: GeneDx Variant Classification Process June 2021. Collection method: clinical testing. Allele origin: germline. Affected: yes.
Comment: In silico analysis indicates that this missense variant does not alter protein structure/function; Has not been previously published as pathogenic or benign to our knowledge

Labcorp Genetics (formerly Invitae), Labcorp
Classification: Likely benign. Last evaluated: 2023-08-08. Review status: criteria provided, single submitter. Criteria: Invitae Variant Classification Sherloc (09022015). Collection method: clinical testing. Allele origin: germline.

NM_006766.5(KAT6A):c.3235C>G (p.Leu1079Val)

Gene: KAT6A (lysine acetyltransferase 6A; minus strand). Cytogenetic location: 8p11.21.
Variant type: single nucleotide variant.
Coding change: c.3235C>G on transcript NM_006766.5 (MANE Select); coding-DNA position 3235, C replaced by G.
Protein change: p.Leu1079Val; replaces leucine 1079 with valine.
Molecular consequence: missense variant.
Genome position (GRCh38, 1-based): chr8:41,937,373, G>C on the plus strand (C>G on the coding strand, the complement: KAT6A is on the minus strand). VCF-style: chr8-41937373-G-C. GRCh37 (hg19) VCF-style: chr8-41794891-G-C.
Other names: c.3235C>G (NM_006766.3); short protein forms L1079V.
Identifiers: ClinVar variation 2748534 (VCV002748534.4), dbSNP rs1320890633, ClinGen allele CA371070249.